The following is an entry in ClinVar:

NM_033656.4(BRWD1):c.4224T>G (p.Ser1408=)

Gene: BRWD1 (bromodomain and WD repeat domain containing 1; minus strand). Cytogenetic location: 21q22.2.
Variant type: single nucleotide variant.
Coding change: c.4224T>G on transcript NM_033656.4 (MANE Select); coding-DNA position 4224, T replaced by G.
Protein change: p.Ser1408=; no amino-acid change (serine 1408 retained).
Molecular consequence: synonymous variant.
Genome position (GRCh38, 1-based): chr21:39,206,248, A>C on the plus strand (T>G on the coding strand, the complement: BRWD1 is on the minus strand). VCF-style: chr21-39206248-A-C. GRCh37 (hg19) VCF-style: chr21-40578174-A-C.
Other names: c.4224T>G, p.Ser1408= (NM_018963.5).
Identifiers: ClinVar variation 3040934 (VCV003040934.2), dbSNP rs376429825, ClinGen allele CA10026751.

ClinVar aggregate classification (germline): Likely benign (0 of 4 stars; one submission).

Conditions:
BRWD1-related disorder. Also called: BRWD1-related condition.

Allele frequency attached by ClinVar (database versions not stated): ExAC 0.00002; gnomAD exomes 0.00005; ESP Exome Variant Server 0.00008; gnomAD 0.00013; TOPMed 0.00014.
gnomAD v4.1: 94 of 1,601,142 alleles (0.0059%); highest among the groups gnomAD compares: Admixed American, 0.027%; no homozygotes.

Submission:

PreventionGenetics, part of Exact Sciences
Classification: Likely benign for BRWD1-related condition. Last evaluated: 2020-04-08. Review status: no assertion criteria provided. Collection method: clinical testing. Allele origin: germline.
Comment: This variant is classified as likely benign based on ACMG/AMP sequence variant interpretation guidelines (Richards et al. 2015 PMID: 25741868, with internal and published modifications).